The following is an entry in ClinVar:

ClinVar aggregate classification (germline): Uncertain significance (1 of 4 stars; one submission).

Conditions:
GLUT1 deficiency syndrome 1, autosomal recessive. Identifiers: MedGen C3149117.

Allele frequency attached by ClinVar (database versions not stated): gnomAD exomes below 0.00001.
gnomAD v4.1: 1 of 1,613,592 alleles (0.000062%); highest among the groups gnomAD compares: South Asian, 0.0011%; no homozygotes.

Submission:

Labcorp Genetics (formerly Invitae), Labcorp
Classification: Uncertain significance for GLUT1 deficiency syndrome 1, autosomal recessive. Last evaluated: 2022-11-07. Review status: criteria provided, single submitter. Criteria: Invitae Variant Classification Sherloc (09022015). Collection method: clinical testing. Allele origin: germline.
Comment: This variant has not been reported in the literature in individuals affected with SLC2A1-related conditions. In summary, the available evidence is currently insufficient to determine the role of this variant in disease. Therefore, it has been classified as a Variant of Uncertain Significance. Advanced modeling of protein sequence and biophysical properties (such as structural, functional, and spatial information, amino acid conservation, physicochemical variation, residue mobility, and thermodynamic stability) has been performed at Invitae for this missense variant, however the output from this modeling did not meet the statistical confidence thresholds required to predict the impact of this variant on SLC2A1 protein function. This variant is not present in population databases (gnomAD no frequency). This sequence change replaces threonine, which is neutral and polar, with isoleucine, which is neutral and non-polar, at codon 30 of the SLC2A1 protein (p.Thr30Ile).

NM_006516.4(SLC2A1):c.89C>T (p.Thr30Ile)

Gene: SLC2A1 (solute carrier family 2 member 1; minus strand). Cytogenetic location: 1p34.2.
Variant type: single nucleotide variant.
Coding change: c.89C>T on transcript NM_006516.4 (MANE Select); coding-DNA position 89, C replaced by T.
Protein change: p.Thr30Ile; replaces threonine 30 with isoleucine.
Molecular consequence: missense variant.
Genome position (GRCh38, 1-based): chr1:42,943,251, G>A on the plus strand (C>T on the coding strand, the complement: SLC2A1 is on the minus strand). VCF-style: chr1-42943251-G-A. GRCh37 (hg19) VCF-style: chr1-43408922-G-A.
Other names: short protein forms T30I.
Identifiers: ClinVar variation 2812608 (VCV002812608.3), dbSNP rs1643615962, ClinGen allele CA339964776.